The following is an entry in ClinVar:

ClinVar aggregate classification (germline): Uncertain significance (1 of 4 stars; one submission).

Submission:

Labcorp Genetics (formerly Invitae), Labcorp
Classification: Uncertain significance. Last evaluated: 2025-11-24. Review status: criteria provided, single submitter. Criteria: Invitae Variant Classification Sherloc (09022015). Collection method: clinical testing. Allele origin: germline.
Comment: This variant, c.237_260del, results in the deletion of 8 amino acid(s) of the ARIH1 protein (p.Gly83_Gly90del), but otherwise preserves the integrity of the reading frame. This variant is not present in population databases (gnomAD no frequency). This variant has not been reported in the literature in individuals affected with ARIH1-related conditions. Experimental studies and prediction algorithms are not available or were not evaluated, and the functional significance of this variant is currently unknown. In summary, the available evidence is currently insufficient to determine the role of this variant in disease. Therefore, it has been classified as a Variant of Uncertain Significance.

NM_005744.5(ARIH1):c.237_260del (p.Gly83_Gly90del)

Gene: ARIH1 (ariadne RBR E3 ubiquitin protein ligase 1; plus strand). Cytogenetic location: 15q24.1.
Variant type: Deletion.
Coding change: c.237_260del on transcript NM_005744.5 (MANE Select); coding-DNA positions 237 to 260, 24 bases deleted (CGGCGGCGGCGGCGGCGGCGGTGG).
Protein change: p.Gly83_Gly90del.
Genome position (GRCh38, 1-based): chr15:72,474,876-72,474,899, CGGCGGCGGCGGCGGCGGCGGTGG deleted; deleting any 24 consecutive bases within chr15:72,474,867-72,474,899 gives the same sequence; the c. name uses the placement nearest the transcript's 3' end. VCF-style (leftmost placement, unchanged base first): chr15-72474866-CCGGCGGTGGCGGCGGCGGCGGCGG-C. GRCh37 (hg19) VCF-style: chr15-72767207-CCGGCGGTGGCGGCGGCGGCGGCGG-C.
Identifiers: ClinVar variation 4772368 (VCV004772368.1).